The following is an entry in ClinVar:

NM_004656.4(BAP1):c.592dup (p.Glu198fs)

Gene: BAP1 (BRCA1 associated deubiquitinase 1; minus strand). Cytogenetic location: 3p21.1.
Variant type: Duplication.
Coding change: c.592dup on transcript NM_004656.4 (MANE Select); coding-DNA position 592, one base duplicated (G; older notation c.592dupG).
Protein change: p.Glu198fs; shifts the reading frame from glutamic acid 198.
Molecular consequence: frameshift variant.
Genome position (GRCh38, 1-based): chr3:52,406,896, C duplicated on the plus strand (G on the coding strand, the reverse complement: BAP1 is on the minus strand); the first of 6 consecutive C bases (chr3:52,406,896-52,406,901); duplicating any one gives the same sequence. VCF-style (leftmost placement, unchanged base first): chr3-52406895-T-TC. GRCh37 (hg19) VCF-style: chr3-52440911-T-TC.
Other names: short protein forms E198fs.
Identifiers: ClinVar variation 421422 (VCV000421422.12), dbSNP rs1205668341, ClinGen allele CA16618000.

ClinVar aggregate classification (germline): Pathogenic/Likely pathogenic. Review status: criteria provided, multiple submitters, no conflicts (2 of 4 stars). 5 submissions from 5 submitters: Pathogenic (4); Likely pathogenic (1). Last evaluated 2025-06-29.

Conditions:
BAP1-related tumor predisposition syndrome (TPDS1). Also called: Tumor susceptibility linked to germline BAP1 mutations; TUMOR PREDISPOSITION SYNDROME 1; COMMON Syndrome; BAP1 tumor predisposition syndrome. Identifiers: Orphanet 289539, MedGen C3280492, MONDO:0013692, OMIM 614327.
Hereditary cancer-predisposing syndrome. Also called: Hereditary neoplastic syndrome; Tumor predisposition; Neoplastic Syndromes, Hereditary; Hereditary Cancer Syndrome. Identifiers: Orphanet 140162, MedGen C0027672, MeSH D009386, MONDO:0015356.

Submissions (5):

Labcorp Genetics (formerly Invitae), Labcorp
Classification: Pathogenic for BAP1-related tumor predisposition syndrome. Last evaluated: 2025-06-29. Review status: criteria provided, single submitter. Criteria: Invitae Variant Classification Sherloc (09022015). Collection method: clinical testing. Allele origin: germline.
Comment: This sequence change creates a premature translational stop signal (p.Glu198Glyfs*45) in the BAP1 gene. It is expected to result in an absent or disrupted protein product. Loss-of-function variants in BAP1 are known to be pathogenic (PMID: 21874000, 23684012). This variant is not present in population databases (gnomAD no frequency). This premature translational stop signal has been observed in individual(s) with clinical features of BAP1 tumor predisposition syndrome (PMID: 29754391). ClinVar contains an entry for this variant (Variation ID: 421422). For these reasons, this variant has been classified as Pathogenic.

Ambry Genetics
Classification: Pathogenic for Hereditary cancer-predisposing syndrome. Last evaluated: 2025-06-26. Review status: criteria provided, single submitter. Criteria: Ambry Variant Classification Scheme 2023. Collection method: clinical testing. Allele origin: germline.
Comment: The c.592dupG pathogenic mutation, located in coding exon 8 of the BAP1 gene, results from a duplication of G at nucleotide position 592, causing a translational frameshift with a predicted alternate stop codon (p.E198Gfs*45). This variant is considered to be rare based on population cohorts in the Genome Aggregation Database (gnomAD). This alteration is expected to result in loss of function by premature protein truncation or nonsense-mediated mRNA decay. As such, this alteration is interpreted as a disease-causing mutation.

Myriad Genetics, Inc.
Classification: Pathogenic for BAP1-related tumor predisposition syndrome. Last evaluated: 2023-04-04. Review status: criteria provided, single submitter. Criteria: Myriad Autosomal Dominant, Autosomal Recessive and X-Linked Classification Criteria (2023). Collection method: clinical testing. Allele origin: unknown.
Comment: This variant is considered pathogenic. This variant creates a frameshift predicted to result in premature protein truncation.

Baylor Genetics
Classification: Pathogenic for BAP1-related tumor predisposition syndrome. Last evaluated: 2023-01-04. Review status: criteria provided, single submitter. Criteria: ACMG Guidelines, 2015. Collection method: clinical testing. Allele origin: unknown.

GeneDx
Classification: Likely pathogenic. Last evaluated: 2016-06-09. Review status: criteria provided, single submitter. Criteria: GeneDx Variant Classification (06012015). Collection method: clinical testing. Allele origin: germline. Affected: yes.
Comment: This duplication of one nucleotide in BAP1 is denoted c.592dupG at the cDNA level and p.Glu198GlyfsX45 (E198GfsX45) at the protein level. The normal sequence, with the base that is duplicated in braces, is TGGGGG[G]AGGA. The duplication causes a frameshift which changes a Glutamic Acid to a Glycine at codon 198, and creates a premature stop codon at position 45 of the new reading frame. Although this variant has not, to our knowledge, been reported in the literature, it is predicted to cause loss of normal protein function through either protein truncation or nonsense-mediated mRNA decay. Based on the currently available information, we consider this duplication to be a likely pathogenic variant.

Literature cited by the submitters: PubMed 21874000 (cited by Labcorp Genetics (formerly Invitae), Labcorp); PubMed 23684012 (cited by Labcorp Genetics (formerly Invitae), Labcorp); PubMed 29754391 (cited by Labcorp Genetics (formerly Invitae), Labcorp).